The following is an entry in ClinVar:

ClinVar aggregate classification (germline): Uncertain significance (1 of 4 stars; one submission).

Conditions:
Early-infantile DEE. Also called: Ohtahara syndrome; Early infantile epileptic encephalopathy; Early infantile epileptic encephalopathy with suppression bursts. Identifiers: Orphanet 1934, MedGen C0393706, MONDO:0800491.

Submission:

Labcorp Genetics (formerly Invitae), Labcorp
Classification: Uncertain significance for Early-infantile DEE. Last evaluated: 2023-10-29. Review status: criteria provided, single submitter. Criteria: Invitae Variant Classification Sherloc (09022015). Collection method: clinical testing. Allele origin: germline.
Comment: This sequence change falls in intron 21 of the SPTAN1 gene. It does not directly change the encoded amino acid sequence of the SPTAN1 protein. This variant is not present in population databases (gnomAD no frequency). This variant has not been reported in the literature in individuals affected with SPTAN1-related conditions. Algorithms developed to predict the effect of sequence changes on RNA splicing suggest that this variant may disrupt the consensus splice site. In summary, the available evidence is currently insufficient to determine the role of this variant in disease. Therefore, it has been classified as a Variant of Uncertain Significance.

NM_001130438.3(SPTAN1):c.3006+7C>T

Gene: SPTAN1 (spectrin alpha, non-erythrocytic 1; plus strand). Cytogenetic location: 9q34.11.
Variant type: single nucleotide variant.
Coding change: c.3006+7C>T on transcript NM_001130438.3 (MANE Select); 7 bases into the intron after coding-DNA position 3006, C replaced by T.
Molecular consequence: intron variant.
Genome position (GRCh38, 1-based): chr9:128,588,950, C>T. VCF-style: chr9-128588950-C-T. GRCh37 (hg19) VCF-style: chr9-131351229-C-T.
Other names: c.3042+7C>T (NM_001375318.1, NM_001375312.2); c.3006+7C>T (NM_001375311.2, NM_001375314.2, NM_001375310.1 and 5 more transcripts).
Identifiers: ClinVar variation 2772612 (VCV002772612.3), dbSNP rs2541325531, ClinGen allele CA2697558081.